The following is an entry in ClinVar:

ClinVar aggregate classification (germline): Uncertain significance (1 of 4 stars; one submission).

Conditions:
Familial thoracic aortic aneurysm and aortic dissection (TAAD). Also called: Thoracic aortic aneurysms and dissections. Identifiers: Orphanet 91387, MedGen C4707243, MONDO:0019625.

Submission:

Color Diagnostics, LLC DBA Color Health
Classification: Uncertain significance for Familial thoracic aortic aneurysm and aortic dissection. Last evaluated: 2025-08-25. Review status: criteria provided, single submitter. Criteria: ACMG Guidelines, 2015. Collection method: clinical testing. Allele origin: germline.
Comment: This missense variant replaces alanine with threonine at codon 1884 of the MYH11 protein. Computational prediction suggests that this variant may not impact protein structure and function. To our knowledge, functional studies have not been reported for this variant. This variant has not been reported in individuals affected with MYH11-related disorders in the literature. This variant has not been identified in the general population by the Genome Aggregation Database (gnomAD). The available evidence is insufficient to determine the role of this variant in disease conclusively. Therefore, this variant is classified as a Variant of Uncertain Significance.

NM_002474.3(MYH11):c.5629G>A (p.Ala1877Thr)

Genes: NDE1 (nudE neurodevelopment protein 1; plus strand), MYH11 (myosin heavy chain 11; minus strand). Cytogenetic location: 16p13.11.
Variant type: single nucleotide variant.
Coding change: c.5629G>A on transcript NM_002474.3 (MANE Select); coding-DNA position 5629, G replaced by A.
Protein change: p.Ala1877Thr; replaces alanine 1877 with threonine.
Molecular consequence: missense variant. On other transcripts: intron variant (2).
Genome position (GRCh38, 1-based): chr16:15,715,066, C>T on the plus strand (G>A on the coding strand, the complement: MYH11 is on the minus strand). VCF-style: chr16-15715066-C-T. GRCh37 (hg19) VCF-style: chr16-15808923-C-T.
Other names: c.5650G>A, p.Ala1884Thr (NM_001040113.2, NM_001040114.2); c.5629G>A, p.Ala1877Thr (NM_022844.3); c.948-9125C>T (NM_001143979.2, NM_017668.3); short protein forms A1877T, A1884T.
Identifiers: ClinVar variation 4757790 (VCV004757790.1).